The following is an entry in ClinVar:

NM_025103.4(IFT74):c.652A>G (p.Ile218Val)

Gene: IFT74 (intraflagellar transport 74; plus strand). Cytogenetic location: 9p21.2.
Variant type: single nucleotide variant.
Coding change: c.652A>G on transcript NM_025103.4 (MANE Select); coding-DNA position 652, A replaced by G.
Protein change: p.Ile218Val; replaces isoleucine 218 with valine.
Molecular consequence: missense variant.
Genome position (GRCh38, 1-based): chr9:27,009,084, A>G. VCF-style: chr9-27009084-A-G. GRCh37 (hg19) VCF-style: chr9-27009082-A-G.
Other names: c.652A>G, p.Ile218Val (NM_001099222.3, NM_001099223.3, NM_001099224.3 and 1 more transcripts); c.652A>G (NM_025103.2); short protein forms I218V.
Identifiers: ClinVar variation 2419086 (VCV002419086.4), dbSNP rs778500217, ClinGen allele CA5015342.

ClinVar aggregate classification (germline): Uncertain significance. Review status: criteria provided, single submitter (1 of 4 stars). 2 submissions from 2 submitters: Uncertain significance (1). 1 of the submissions does not count toward it. Last evaluated 2022-06-23.

Conditions:
IFT74-related disorder. Also called: IFT74-related condition; IFT74-Related Disorders.

Allele frequency attached by ClinVar (database versions not stated): gnomAD exomes below 0.00001; ExAC 0.00001.
gnomAD v4.1: 1 of 1,612,720 alleles (0.000062%); highest among the groups gnomAD compares: Non-Finnish European, 0.000085%; no homozygotes.

Submissions (2):

Labcorp Genetics (formerly Invitae), Labcorp
Classification: Uncertain significance. Last evaluated: 2022-06-23. Review status: criteria provided, single submitter. Criteria: Invitae Variant Classification Sherloc (09022015). Collection method: clinical testing. Allele origin: germline.
Comment: This sequence change replaces isoleucine, which is neutral and non-polar, with valine, which is neutral and non-polar, at codon 218 of the IFT74 protein (p.Ile218Val). This variant is not present in population databases (gnomAD no frequency). This variant has not been reported in the literature in individuals affected with IFT74-related conditions. Algorithms developed to predict the effect of missense changes on protein structure and function (SIFT, PolyPhen-2, Align-GVGD) all suggest that this variant is likely to be tolerated. In summary, the available evidence is currently insufficient to determine the role of this variant in disease. Therefore, it has been classified as a Variant of Uncertain Significance.

PreventionGenetics, part of Exact Sciences
Classification: Uncertain significance for IFT74-related condition. Last evaluated: 2024-07-31. Review status: no assertion criteria provided. Collection method: clinical testing. Allele origin: germline. Not counted in ClinVar's aggregate classification.
Comment: The IFT74 c.652A>G variant is predicted to result in the amino acid substitution p.Ile218Val. To our knowledge, this variant has not been reported in the literature or in a large population database, indicating this variant is rare. At this time, the clinical significance of this variant is uncertain due to the absence of conclusive functional and genetic evidence.